The following is an entry in ClinVar:

ClinVar aggregate classification (germline): Pathogenic (1 of 4 stars; one submission).

Conditions:
Hereditary nonpolyposis colorectal neoplasms. Identifiers: MedGen C0009405, MeSH D003123.

Submission:

Labcorp Genetics (formerly Invitae), Labcorp
Classification: Pathogenic for Hereditary nonpolyposis colorectal neoplasms. Last evaluated: 2021-06-28. Review status: criteria provided, single submitter. Criteria: Invitae Variant Classification Sherloc (09022015). Collection method: clinical testing. Allele origin: germline.
Comment: For these reasons, this variant has been classified as Pathogenic. This variant has not been reported in the literature in individuals with PMS2-related conditions. This variant is not present in population databases (ExAC no frequency). This sequence change creates a premature translational stop signal (p.Arg151Glnfs*19) in the PMS2 gene. It is expected to result in an absent or disrupted protein product. Loss-of-function variants in PMS2 are known to be pathogenic (PMID: 21376568, 24362816).

Literature cited by the submitters: PubMed 21376568; PubMed 24362816.

NM_000535.7(PMS2):c.452_456del (p.Arg151fs)

Gene: PMS2 (PMS1 homolog 2, mismatch repair system component; minus strand). Cytogenetic location: 7p22.1.
Variant type: Deletion.
Coding change: c.452_456del on transcript NM_000535.7 (MANE Select); coding-DNA positions 452 to 456, 5 bases deleted (GCCCC; older notation c.452_456delGCCCC).
Protein change: p.Arg151fs; shifts the reading frame from arginine 151.
Molecular consequence: frameshift variant. On other transcripts: 5 prime UTR variant (2), non-coding transcript variant (1).
Genome position (GRCh38, 1-based): chr7:6,002,534-6,002,538, GGGGC deleted on the plus strand (GCCCC on the coding strand, the reverse complement: PMS2 is on the minus strand); deleting any 5 consecutive bases within chr7:6,002,534-6,002,542 gives the same sequence; the c. name uses the placement nearest the transcript's 3' end. VCF-style (leftmost placement, unchanged base first): chr7-6002533-TGGGGC-T. GRCh37 (hg19) VCF-style: chr7-6042164-TGGGGC-T.
Other names: c.47_51del, p.Arg16fs (NM_001322003.2, NM_001322004.2, NM_001322005.2 and 3 more transcripts); c.452_456del, p.Arg151fs (NM_001322006.2, NM_001322014.2); c.134_138del, p.Arg45fs (NM_001322007.2, NM_001322008.2); c.-433_-429del (NM_001322011.2, NM_001322012.2); c.143_147del, p.Arg48fs (NM_001322015.2); short protein forms R16fs, R45fs, R151fs, R48fs.
Identifiers: ClinVar variation 1408831 (VCV001408831.6), dbSNP rs2128817368, ClinGen allele CA2573141968.